The following is an entry in ClinVar:

NM_001130438.3(SPTAN1):c.4345-3T>C

Gene: SPTAN1 (spectrin alpha, non-erythrocytic 1; plus strand). Cytogenetic location: 9q34.11.
Variant type: single nucleotide variant.
Coding change: c.4345-3T>C on transcript NM_001130438.3 (MANE Select); 3 bases into the intron before coding-DNA position 4345, T replaced by C.
Molecular consequence: intron variant.
Genome position (GRCh38, 1-based): chr9:128,608,127, T>C. VCF-style: chr9-128608127-T-C. GRCh37 (hg19) VCF-style: chr9-131370406-T-C.
Other names: c.4381-3T>C (NM_001375318.1, NM_001375312.2); c.4345-3T>C (NM_001375311.2, NM_001375310.1, NM_001363759.2 and 2 more transcripts); c.4285-3T>C (NM_001375314.2, NM_001363765.2, NM_001195532.2).
Identifiers: ClinVar variation 2073638 (VCV002073638.4), dbSNP rs2541756269, ClinGen allele CA2580079745.
Genomic context (GRCh38, chr9:128,608,127, plus strand): 5'-TTCTGACCAAGTGTTTCCTTGCTGAAGGGCCTCATTTTCTCACCTGCCTCTTGCCCTCTT[T>C]AGCTGTTCCATCGGGACTGTGAGCAAGCTGAGAACTGGATGGCTGCCCGGGAGGCCTTCT-3'

ClinVar aggregate classification (germline): Uncertain significance (1 of 4 stars; one submission).

Conditions:
Early-infantile DEE. Also called: Ohtahara syndrome; Early infantile epileptic encephalopathy with suppression bursts; Early infantile epileptic encephalopathy. Identifiers: Orphanet 1934, MedGen C0393706, MONDO:0800491.

Submission:

Labcorp Genetics (formerly Invitae), Labcorp
Classification: Uncertain significance for Early-infantile DEE. Last evaluated: 2022-01-04. Review status: criteria provided, single submitter. Criteria: Invitae Variant Classification Sherloc (09022015). Collection method: clinical testing. Allele origin: germline.
Comment: In summary, the available evidence is currently insufficient to determine the role of this variant in disease. Therefore, it has been classified as a Variant of Uncertain Significance. Variants that disrupt the consensus splice site are a relatively common cause of aberrant splicing (PMID: 17576681, 9536098). Algorithms developed to predict the effect of sequence changes on RNA splicing suggest that this variant is not likely to affect RNA splicing. This variant has not been reported in the literature in individuals affected with SPTAN1-related conditions. This variant is not present in population databases (gnomAD no frequency). This sequence change falls in intron 33 of the SPTAN1 gene. It does not directly change the encoded amino acid sequence of the SPTAN1 protein. It affects a nucleotide within the consensus splice site.

Literature cited by the submitters: PubMed 17576681; PubMed 9536098.